The following is an entry in ClinVar:

ClinVar aggregate classification (germline): Pathogenic. Review status: criteria provided, multiple submitters, no conflicts (2 of 4 stars). 7 submissions from 7 submitters: Pathogenic (5). 2 of the submissions do not count toward it. Last evaluated 2025-07-01.

Conditions:
Mucopolysaccharidosis type 6 (MPS6). Also called: ARSB DEFICIENCY; ARYLSULFATASE B DEFICIENCY; N-ACETYLGALACTOSAMINE-4-SULFATASE DEFICIENCY; MPS 6; Maroteaux Lamy syndrome; MPS VI. Identifiers: Orphanet 583, MedGen C0026709, MONDO:0009661, OMIM 253200.

gnomAD v4.1: 1 of 1,614,056 alleles (0.000062%); no homozygotes.

Submissions (7):

CeGaT Center for Human Genetics Tuebingen
Classification: Pathogenic. Last evaluated: 2025-07-01. Review status: criteria provided, single submitter. Criteria: CeGaT Center For Human Genetics Tuebingen Variant Classification Criteria Version 2. Collection method: clinical testing. Allele origin: germline. Affected: yes. Observed: 4 variant alleles.
Comment: ARSB: PP4:Strong, PM1, PM2, PM3

Labcorp Genetics (formerly Invitae), Labcorp
Classification: Pathogenic for Mucopolysaccharidosis type 6. Last evaluated: 2024-12-31. Review status: criteria provided, single submitter. Criteria: Invitae Variant Classification Sherloc (09022015). Collection method: clinical testing. Allele origin: germline.
Comment: This sequence change replaces leucine, which is neutral and non-polar, with proline, which is neutral and non-polar, at codon 321 of the ARSB protein (p.Leu321Pro). This variant is not present in population databases (gnomAD no frequency). This missense change has been observed in individuals with mucopolysaccharidosis type VI (PMID: 8116615, 24677745). ClinVar contains an entry for this variant (Variation ID: 559830). Invitae Evidence Modeling of protein sequence and biophysical properties (such as structural, functional, and spatial information, amino acid conservation, physicochemical variation, residue mobility, and thermodynamic stability) indicates that this missense variant is expected to disrupt ARSB protein function with a positive predictive value of 95%. Experimental studies have shown that this missense change affects ARSB function (PMID: 8116615). This variant disrupts the p.Leu321 amino acid residue in ARSB. Other variant(s) that disrupt this residue have been determined to be pathogenic (internal data). This suggests that this residue is clinically significant, and that variants that disrupt this residue are likely to be disease-causing. For these reasons, this variant has been classified as Pathogenic.

Baylor Genetics
Classification: Pathogenic for Mucopolysaccharidosis type 6. Last evaluated: 2024-02-15. Review status: criteria provided, single submitter. Criteria: ACMG Guidelines, 2015. Collection method: clinical testing. Allele origin: unknown.

Victorian Clinical Genetics Services, Murdoch Childrens Research Institute
Classification: Pathogenic for Mucopolysaccharidosis type 6. Last evaluated: 2020-05-21. Review status: criteria provided, single submitter. Criteria: ACMG Guidelines, 2015. Collection method: clinical testing. Allele origin: germline. Inheritance: Autosomal recessive inheritance. Affected: no.
Comment: Based on the classification scheme VCGS_Germline_v1.1.0, this variant is classified as Pathogenic. Following criteria are met: 0102 - Loss-of-function is a known mechanism of disease for this gene. (N) 0106 - This gene is known to be associated with autosomal recessive disease. (N) 0200 - Variant is predicted to result in a missense amino acid change from leucine to proline. (N) 0251 - Variant is heterozygous. (N) 0301 - Variant is absent from gnomAD. (P) 0502 - Missense variant with conflicting in-silico predictions and/or uninformative conservation. (N) 0705 - No comparable variants have previous evidence for pathogenicity. (N) 0801 - Strong previous evidence of pathogenicity in unrelated individuals. (ClinVar, LOVD, Tomanin, R. et al. (2018)) (P) 0903 - Low evidence for segregation with disease. (Zanetti, A. et al. (2014)) (P) 1001 - Strong functional evidence supporting abnormal protein function. (Zanetti, A. et al. (2014)) (P)

Laboratory of Diagnosis and Therapy of Lysosomal Disorders, University of Padova
Classification: Pathogenic for Mucopolysaccharidosis type 6. Last evaluated: 2018-01-01. Review status: criteria provided, single submitter. Criteria: ACMG Guidelines, 2015. Collection method: curation. Allele origin: germline. Affected: yes.
Comment: In vitro functional studies supportive of a damaging effect on the gene product (low to no ARSB activity in homozygotes; PS3); Cosegregation with disease in multiple affected family members in a gene definitively known to cause the disease (PP1-strong evidence); Absent from GnomAD (PM2)

Clinical Genetics DNA and cytogenetics Diagnostics Lab, Erasmus MC, Erasmus Medical Center
Classification: Pathogenic. Review status: no assertion criteria provided. Collection method: clinical testing. Allele origin: germline. Affected: yes. Study: VKGL Data-share Consensus. Not counted in ClinVar's aggregate classification.

Joint Genome Diagnostic Labs from Nijmegen and Maastricht, Radboudumc and MUMC+
Classification: Pathogenic. Review status: no assertion criteria provided. Collection method: clinical testing. Allele origin: germline. Affected: yes. Study: VKGL Data-share Consensus. Not counted in ClinVar's aggregate classification.

Literature cited by the submitters: PubMed 8116615 (cited by Labcorp Genetics (formerly Invitae), Labcorp and Laboratory of Diagnosis and Therapy of Lysosomal Disorders, University of Padova); PubMed 24677745 (cited by Labcorp Genetics (formerly Invitae), Labcorp and Laboratory of Diagnosis and Therapy of Lysosomal Disorders, University of Padova); PubMed 24243352 (cited by Victorian Clinical Genetics Services, Murdoch Childrens Research Institute and Laboratory of Diagnosis and Therapy of Lysosomal Disorders, University of Padova); PubMed 30118150 (cited by Victorian Clinical Genetics Services, Murdoch Childrens Research Institute and Laboratory of Diagnosis and Therapy of Lysosomal Disorders, University of Padova); PubMed 25654180 (cited by Laboratory of Diagnosis and Therapy of Lysosomal Disorders, University of Padova); PubMed 14974081 (cited by Laboratory of Diagnosis and Therapy of Lysosomal Disorders, University of Padova); PubMed 17458871 (cited by Laboratory of Diagnosis and Therapy of Lysosomal Disorders, University of Padova); PubMed 24875751 (cited by Laboratory of Diagnosis and Therapy of Lysosomal Disorders, University of Padova); PubMed 24798265 (cited by Laboratory of Diagnosis and Therapy of Lysosomal Disorders, University of Padova).

NM_000046.5(ARSB):c.962T>C (p.Leu321Pro)

Gene: ARSB (arylsulfatase B; minus strand). Cytogenetic location: 5q14.1.
Variant type: single nucleotide variant.
Coding change: c.962T>C on transcript NM_000046.5 (MANE Select); coding-DNA position 962, T replaced by C.
Protein change: p.Leu321Pro; replaces leucine 321 with proline.
Molecular consequence: missense variant.
Genome position (GRCh38, 1-based): chr5:78,885,764, A>G on the plus strand (T>C on the coding strand, the complement: ARSB is on the minus strand). VCF-style: chr5-78885764-A-G. GRCh37 (hg19) VCF-style: chr5-78181587-A-G.
Other names: c.962T>C, p.Leu321Pro (NM_198709.3); short protein forms L321P.
Identifiers: ClinVar variation 559830 (VCV000559830.38), dbSNP rs1554079320, ClinGen allele CA360343320.